The following is an entry in ClinVar:

ClinVar aggregate classification (germline): Benign/Likely benign. Review status: criteria provided, multiple submitters, no conflicts (2 of 4 stars). 10 submissions from 10 submitters: Benign (6); Likely benign (2). 2 of the submissions do not count toward it. Last evaluated 2026-09-01.

Conditions:
Charcot-Marie-Tooth disease type 2. Also called: Charcot-Marie-Tooth type 2. Identifiers: Orphanet 64746, MedGen C0270914, MONDO:0018993.
Charcot-Marie-Tooth disease axonal type 2N (CMT2N). Also called: Charcot-Marie-Tooth Neuropathy Type 2N; CHARCOT-MARIE-TOOTH DISEASE, AXONAL, AUTOSOMAL DOMINANT, TYPE 2N; CHARCOT-MARIE-TOOTH NEUROPATHY, AXONAL, TYPE 2N. Identifiers: Orphanet 228174, MedGen C2750090, MONDO:0013212, OMIM 613287.

Allele frequency attached by ClinVar (database versions not stated): 1000 Genomes Project 0.00260; 1000 Genomes Project 30x 0.00265; gnomAD 0.00690 and 0.00718; ExAC 0.00714; ESP Exome Variant Server 0.00762; gnomAD exomes 0.00776 and 0.00912; TOPMed 0.00822.
gnomAD v4.1: 14,488 of 1,614,214 alleles (0.9%); highest among the groups gnomAD compares: Middle Eastern, 2.9%; 115 homozygotes.

Submissions (10):

CeGaT Center for Human Genetics Tuebingen
Classification: Benign. Last evaluated: 2026-09-01. Review status: criteria provided, single submitter. Criteria: CeGaT Center For Human Genetics Tuebingen Variant Classification Criteria Version 2. Collection method: clinical testing. Allele origin: germline. Affected: yes. Observed: 105 variant alleles.
Comment: AARS1: BS1, BS2

Labcorp Genetics (formerly Invitae), Labcorp
Classification: Benign for Charcot-Marie-Tooth disease type 2. Last evaluated: 2026-02-02. Review status: criteria provided, single submitter. Criteria: Invitae Variant Classification Sherloc (09022015). Collection method: clinical testing. Allele origin: germline.

ARUP Laboratories, Molecular Genetics and Genomics, ARUP Laboratories
Classification: Benign. Last evaluated: 2025-07-17. Review status: criteria provided, single submitter. Criteria: ARUP Molecular Germline Variant Investigation Process 2024. Collection method: clinical testing. Allele origin: germline.

Illumina Laboratory Services, Illumina
Classification: Benign for Charcot-Marie-Tooth disease axonal type 2N. Last evaluated: 2018-01-13. Review status: criteria provided, single submitter. Criteria: ICSL Variant Classification Criteria 13 December 2019. Collection method: clinical testing. Allele origin: germline.
Comment: This variant was observed in the ICSL laboratory as part of a predisposition screen in an ostensibly healthy population. It had not been previously curated by ICSL or reported in the Human Gene Mutation Database (HGMD: prior to June 1st, 2018), and was therefore a candidate for classification through an automated scoring system. Utilizing variant allele frequency, disease prevalence and penetrance estimates, and inheritance mode, an automated score was calculated to assess if this variant is too frequent to cause the disease. Based on the score and internal cut-off values, a variant classified as benign is not then subjected to further curation. The score for this variant resulted in a classification of benign for this disease.

Mayo Clinic Laboratories, Mayo Clinic
Classification: Benign. Last evaluated: 2016-06-07. Review status: criteria provided, single submitter. Criteria: ACMG Guidelines, 2015. Collection method: clinical testing. Allele origin: germline. Observed: 49 variant alleles.

GeneDx
Classification: Benign. Last evaluated: 2015-03-03. Review status: criteria provided, single submitter. Criteria: GeneDx Variant Classification Process June 2021. Collection method: clinical testing. Allele origin: germline. Affected: yes.

Genome Diagnostics Laboratory, University Medical Center Utrecht
Classification: Likely benign for Charcot-Marie-Tooth disease axonal type 2N. Last evaluated: 2014-10-09. Review status: criteria provided, single submitter. Criteria: ACGS Guidelines, 2013. Collection method: clinical testing. Allele origin: germline. Affected: yes. Study: VKGL Data-share Consensus.

Breakthrough Genomics
Classification: Likely benign. Review status: criteria provided, single submitter. Criteria: ACMG Guidelines, 2015. Collection method: not provided. Allele origin: germline. Inheritance: Autosomal recessive inheritance. Affected: yes.

Clinical Genetics, Academic Medical Center
Classification: Benign. Review status: no assertion criteria provided. Collection method: clinical testing. Allele origin: germline. Affected: yes. Study: VKGL Data-share Consensus. Not counted in ClinVar's aggregate classification.

Northcott Neuroscience Laboratory, ANZAC Research Institute
Classification: Benign. Review status: no assertion criteria provided. Collection method: not provided. Allele origin: unknown. Not counted in ClinVar's aggregate classification.
Comment: CMT2
ClinVar note: Converted during submission from non-pathogenic to Benign.

NM_001605.3(AARS1):c.2791G>A (p.Gly931Ser)

Gene: AARS1 (alanyl-tRNA synthetase 1; minus strand). Cytogenetic location: 16q22.1.
Variant type: single nucleotide variant.
Coding change: c.2791G>A on transcript NM_001605.3 (MANE Select); coding-DNA position 2791, G replaced by A.
Protein change: p.Gly931Ser; replaces glycine 931 with serine.
Molecular consequence: missense variant.
Genome position (GRCh38, 1-based): chr16:70,252,837, C>T on the plus strand (G>A on the coding strand, the complement: AARS1 is on the minus strand). VCF-style: chr16-70252837-C-T. GRCh37 (hg19) VCF-style: chr16-70286740-C-T.
Other names: p.Gly931Ser; short protein forms G931S.
Identifiers: ClinVar variation 155735 (VCV000155735.93), dbSNP rs149377346, ClinGen allele CA233068.
Genomic context (GRCh38, chr16:70,252,837, plus strand): 5'-CCTCCTGCAGGCAGCCAACGTTCTTGCCTGTGGCCTGTGCAGACACATCCTTGCCACCAC[C>T]TTTACCGTCCATCAAGCCTGACACCTGCTGCACCCACTCGCTGGCTTTTAAGCCCCGATT-3'
Protein context (NP_001596.2, residues 921-941): QQVSGLMDGK[Gly931Ser]GGKDVSAQAT